The following is an entry in ClinVar:

ClinVar aggregate classification (germline): Benign/Likely benign. Review status: criteria provided, multiple submitters, no conflicts (2 of 4 stars). 18 submissions from 18 submitters: Benign (7); Likely benign (6). 5 of the submissions do not count toward it. Last evaluated 2026-02-02.

Conditions:
Breast and/or ovarian cancer. Identifiers: MedGen CN221562.
Hereditary cancer-predisposing syndrome. Also called: Tumor predisposition; Hereditary neoplastic syndrome; Neoplastic Syndromes, Hereditary; Hereditary Cancer Syndrome. Identifiers: Orphanet 140162, MedGen C0027672, MeSH D009386, MONDO:0015356.
Malignant tumor of breast. Also called: Malignant breast neoplasm; Cancer breast. Identifiers: MedGen C0006142, MONDO:0007254. Disease mechanism: loss of function.
Familial cancer of breast. Also called: hereditary breast carcinoma; Hereditary breast cancer; BREAST CANCER, FAMILIAL. Identifiers: Orphanet 227535, MedGen C0346153, MONDO:0016419, OMIM 114480. Disease mechanism: loss of function.
Pancreatic cancer, susceptibility to, 3. Identifiers: Orphanet 1333, MedGen C3150547, MONDO:0013236, OMIM 613348.
Fanconi anemia complementation group N. Also called: PALB2-Related Fanconi Anemia. Identifiers: Orphanet 84, MedGen C1835817, MONDO:0012565, OMIM 610832. Disease mechanism: loss of function.

Allele frequency attached by ClinVar (database versions not stated): gnomAD exomes 0.00044; ExAC 0.00058; gnomAD 0.00178 and 0.00193; TOPMed 0.00183; ESP Exome Variant Server 0.00192; 1000 Genomes Project 0.00220; 1000 Genomes Project 30x 0.00234.
gnomAD v4.1: 474 of 1,614,152 alleles (0.029%); highest among the groups gnomAD compares: African/African-American, 0.58%; 3 homozygotes.

Submissions (18):

Labcorp Genetics (formerly Invitae), Labcorp
Classification: Benign for Familial cancer of breast. Last evaluated: 2026-02-02. Review status: criteria provided, single submitter. Criteria: Invitae Variant Classification Sherloc (09022015). Collection method: clinical testing. Allele origin: germline.

Myriad Genetics, Inc.
Classification: Benign for Familial cancer of breast. Last evaluated: 2025-01-14. Review status: criteria provided, single submitter. Criteria: Myriad Autosomal Dominant, Autosomal Recessive and X-Linked Classification Criteria (2023). Collection method: clinical testing. Allele origin: unknown.
Comment: This variant is considered benign. This variant is a silent/synonymous amino acid change and it is not expected to impact splicing.

CHEO Genetics Diagnostic Laboratory, Children's Hospital of Eastern Ontario
Classification: Likely benign for Breast and/or ovarian cancer. Last evaluated: 2022-10-28. Review status: criteria provided, single submitter. Criteria: ACMG Guidelines, 2015. Collection method: clinical testing. Allele origin: germline.

Blueprint Genetics
Classification: Likely benign. Last evaluated: 2022-07-26. Review status: criteria provided, single submitter. Criteria: ACMG Guidelines, 2015. Collection method: clinical testing. Allele origin: germline.

Quest Diagnostics Nichols Institute San Juan Capistrano
Classification: Benign. Last evaluated: 2022-07-07. Review status: criteria provided, single submitter. Criteria: Quest Diagnostics criteria. Collection method: clinical testing. Allele origin: unknown.

Fulgent Genetics
Classification: Likely benign for Familial cancer of breast; Fanconi anemia complementation group N; Pancreatic cancer, susceptibility to, 3. Last evaluated: 2021-08-31. Review status: criteria provided, single submitter. Criteria: ACMG Guidelines, 2015. Collection method: clinical testing. Allele origin: unknown.

Sema4
Classification: Benign for Hereditary cancer-predisposing syndrome. Last evaluated: 2020-11-16. Review status: criteria provided, single submitter. Criteria: Sema4 Curation Guidelines. Collection method: curation. Allele origin: germline.

Genetic Services Laboratory, University of Chicago
Classification: Likely benign. Last evaluated: 2017-04-02. Review status: criteria provided, single submitter. Criteria: ACMG Guidelines, 2015. Collection method: clinical testing. Allele origin: germline. Affected: no.

Women's Health and Genetics/Laboratory Corporation of America, LabCorp
Classification: Benign. Last evaluated: 2017-03-24. Review status: criteria provided, single submitter. Criteria: LabCorp Variant Classification Summary - May 2015. Collection method: clinical testing. Allele origin: germline.
Comment: Variant summary: The PALB2 c.1606C>T (p.Leu536Leu) variant involves the alteration of a non-conserved nucleotide causing a synonymous change that 5/5 splice prediction tools predict no significant impact on normal splicing. ESE finder predicts that this variant may eliminate ESE binding sites. However, these predictions have yet to be confirmed by functional studies. This variant was found in 71/121918 control chromosomes, predominantly observed in the African subpopulation at a frequency of 0.006439 (67/10406). This frequency is about 41 times the estimated maximal expected allele frequency of a pathogenic PALB2 variant (0.0001563), suggesting this is likely a benign polymorphism found primarily in the populations of African origin. Multiple publications have cited the variant in affected African-American individuals, although with limited information (ie, lack of co-occurrence and cosegregation data). In addition, multiple clinical diagnostic laboratories classified this variant as "likely benign/benign." Taken together, this variant is classified as benign.

PreventionGenetics, part of Exact Sciences
Classification: Benign. Last evaluated: 2016-10-03. Review status: criteria provided, single submitter. Criteria: ACMG Guidelines, 2015. Collection method: clinical testing. Allele origin: germline.

Color Diagnostics, LLC DBA Color Health
Classification: Likely benign for Hereditary cancer-predisposing syndrome. Last evaluated: 2015-04-25. Review status: criteria provided, single submitter. Criteria: ACMG Guidelines, 2015. Collection method: clinical testing. Allele origin: germline.

Ambry Genetics
Classification: Likely benign for Hereditary cancer-predisposing syndrome. Last evaluated: 2014-07-01. Review status: criteria provided, single submitter. Criteria: Ambry Variant Classification Scheme 2023. Collection method: clinical testing. Allele origin: germline.

GeneDx
Classification: Benign. Last evaluated: 2014-02-18. Review status: criteria provided, single submitter. Criteria: GeneDx Variant Classification (06012015). Collection method: clinical testing. Allele origin: germline. Affected: yes.
Comment: This variant is considered likely benign or benign based on one or more of the following criteria: it is a conservative change, it occurs at a poorly conserved position in the protein, it is predicted to be benign by multiple in silico algorithms, and/or has population frequency not consistent with disease.

Leiden Open Variation Database
Classification: Likely benign for Familial cancer of breast. Last evaluated: 2019-05-13. Review status: no assertion criteria provided. Collection method: curation. Allele origin: germline. Affected: yes. Not counted in ClinVar's aggregate classification.
Comment: Curators: Marc Tischkowitz, Arleen D. Auerbach. Submitter to LOVD: Marc Tischkowitz.

Clinical Genetics Laboratory, Department of Pathology, Netherlands Cancer Institute
Classification: Likely benign. Review status: no assertion criteria provided. Collection method: clinical testing. Allele origin: germline. Affected: yes. Study: VKGL Data-share Consensus. Not counted in ClinVar's aggregate classification.

Department of Pathology and Laboratory Medicine, Sinai Health System
Classification: Likely benign for Malignant tumor of breast. Review status: no assertion criteria provided. Collection method: clinical testing. Allele origin: unknown. Affected: yes. Observed: 1 variant allele. Study: The Canadian Open Genetics Repository (COGR). Not counted in ClinVar's aggregate classification.
Comment: The PALB2 p.Leu536= variant was identified in 6 of 558 proband chromosomes (frequency: 0.01075) from individuals or families with breast cancer and was present in 1 of 520 control chromosomes (frequency: 0.0019) from healthy individuals (Zheng 2012,). The variant was also identified in dbSNP (ID: rs151162255) as With other allele, ClinVar (classified as benign by GeneDX, Invitae; classified as likely benign by Ambry genetics, PALB2 database), Clinvitae (classified as benign by ClinVar), Zhejiang Colon Cancer Database (2X probably does not affect function), databases. The variant was identified in control databases in 160 of 277242 chromosomes at a frequency of 0.000577 increasing the likelihood this could be a low frequency benign variant (Genome Aggregation Consortium Feb 27, 2017). The p.Leu536= variant is not expected to have clinical significance because it does not result in a change of amino acid and is not located in a known consensus splice site. In addition, in silico or computational prediction software programs (SpliceSiteFinder, MaxEntScan, NNSPLICE, GeneSplicer, HumanSpliceFinder) do not predict a difference in splicing. In summary, based on the above information, the clinical significance of this variant cannot be determined with certainty at this time although we would lean towards a more benign role for this variant. This variant is classified as likely benign.

Genome Diagnostics Laboratory, Amsterdam University Medical Center
Classification: Benign. Review status: no assertion criteria provided. Collection method: clinical testing. Allele origin: germline. Affected: yes. Study: VKGL Data-share Consensus. Not counted in ClinVar's aggregate classification.

Joint Genome Diagnostic Labs from Nijmegen and Maastricht, Radboudumc and MUMC+
Classification: Likely benign. Review status: no assertion criteria provided. Collection method: clinical testing. Allele origin: germline. Affected: yes. Study: VKGL Data-share Consensus. Not counted in ClinVar's aggregate classification.

Literature cited by the submitters: PubMed 21932393 (cited by 3 submitters); PubMed 21113654 (cited by 3 submitters).

NM_024675.4(PALB2):c.1606C>T (p.Leu536=)

Gene: PALB2 (partner and localizer of BRCA2; minus strand). Cytogenetic location: 16p12.2.
Variant type: single nucleotide variant.
Coding change: c.1606C>T on transcript NM_024675.4 (MANE Select); coding-DNA position 1606, C replaced by T.
Protein change: p.Leu536=; no amino-acid change (leucine 536 retained).
Molecular consequence: synonymous variant.
Genome position (GRCh38, 1-based): chr16:23,634,940, G>A on the plus strand (C>T on the coding strand, the complement: PALB2 is on the minus strand). VCF-style: chr16-23634940-G-A. GRCh37 (hg19) VCF-style: chr16-23646261-G-A.
Other names: p.L536L:CTG>TTG.
Identifiers: ClinVar variation 126610 (VCV000126610.36), dbSNP rs151162255, ClinGen allele CA292668.
Genomic context (GRCh38, chr16:23,634,940, plus strand): 5'-ATTTTTCGTGCTGATATTTGTGTGAGGTGACTTCTTCCTTGGACCTGTTAACAATCGACA[G>A]GCTAGAAGTTGGCAAAAGTGGTTCACAATGATCTGATGCTGGGGTGCAGGCTGATTTTCT-3'
Protein context (NP_078951.2, residues 526-546): HCEPLLPTSS[Leu536=]SIVNRSKEEV